The following is an entry in ClinVar:

NM_005359.6(SMAD4):c.1533G>T (p.Pro511=)

Gene: SMAD4 (SMAD family member 4; plus strand). Cytogenetic location: 18q21.2.
Variant type: single nucleotide variant.
Coding change: c.1533G>T on transcript NM_005359.6 (MANE Select); coding-DNA position 1533, G replaced by T.
Protein change: p.Pro511=; no amino-acid change (proline 511 retained).
Molecular consequence: synonymous variant.
Genome position (GRCh38, 1-based): chr18:51,078,341, G>T. VCF-style: chr18-51078341-G-T. GRCh37 (hg19) VCF-style: chr18-48604711-G-T.
Identifiers: ClinVar variation 529973 (VCV000529973.15), dbSNP rs1057523968, ClinGen allele CA503874012.

ClinVar aggregate classification (germline): Benign/Likely benign. Review status: criteria provided, multiple submitters, no conflicts (2 of 4 stars). 4 submissions from 4 submitters: Benign (1); Likely benign (3). Last evaluated 2025-10-23.

Conditions:
Juvenile polyposis syndrome (JPS). Identifiers: Orphanet 2929, MedGen C0345893, MONDO:0017380, OMIM 174900.
Hereditary cancer-predisposing syndrome. Also called: Hereditary neoplastic syndrome; Tumor predisposition; Neoplastic Syndromes, Hereditary; Hereditary Cancer Syndrome. Identifiers: Orphanet 140162, MedGen C0027672, MeSH D009386, MONDO:0015356.
Familial thoracic aortic aneurysm and aortic dissection (TAAD). Also called: Thoracic aortic aneurysms and dissections. Identifiers: Orphanet 91387, MedGen C4707243, MONDO:0019625.
Juvenile polyposis/hereditary hemorrhagic telangiectasia syndrome (JPHT). Also called: Juvenile Polyposis Syndrome / Hereditary Hemorrhagic Telangiectasia (JPS/HHT); JP/HHT SYNDROME; JUVENILE POLYPOSIS WITH HEREDITARY HEMORRHAGIC TELANGIECTASIA; POLYPOSIS, GENERALIZED JUVENILE, WITH PULMONARY ARTERIOVENOUS MALFORMATION; TELANGIECTASIA, HEREDITARY HEMORRHAGIC, WITH JUVENILE POLYPOSIS COLI. Identifiers: Orphanet 2929, MedGen C1832942, MONDO:0008278, OMIM 175050.

gnomAD v4.1: 1 of 1,614,120 alleles (0.000062%); no homozygotes.

Submissions (4):

Labcorp Genetics (formerly Invitae), Labcorp
Classification: Likely benign for Juvenile polyposis syndrome. Last evaluated: 2025-10-23. Review status: criteria provided, single submitter. Criteria: Invitae Variant Classification Sherloc (09022015). Collection method: clinical testing. Allele origin: germline.

Color Diagnostics, LLC DBA Color Health
Classification: Likely benign for Hereditary cancer-predisposing syndrome. Last evaluated: 2025-05-30. Review status: criteria provided, single submitter. Criteria: ACMG Guidelines, 2015. Collection method: clinical testing. Allele origin: germline.

Myriad Genetics, Inc.
Classification: Benign for Juvenile polyposis/hereditary hemorrhagic telangiectasia syndrome. Last evaluated: 2025-03-24. Review status: criteria provided, single submitter. Criteria: Myriad Autosomal Dominant, Autosomal Recessive and X-Linked Classification Criteria (2023). Collection method: clinical testing. Allele origin: unknown.
Comment: This variant is considered benign. This variant is a silent/synonymous amino acid change and it is not expected to impact splicing.

Ambry Genetics
Classification: Likely benign for Hereditary cancer-predisposing syndrome; Familial thoracic aortic aneurysm and aortic dissection. Last evaluated: 2020-04-12. Review status: criteria provided, single submitter. Criteria: Ambry Variant Classification Scheme 2023. Collection method: clinical testing. Allele origin: germline.